The following is an entry in ClinVar:

ClinVar aggregate classification (germline): Likely benign (1 of 4 stars; one submission).

Conditions:
Hypertrophic cardiomyopathy. Also called: HYPERTROPHIC MYOCARDIOPATHY. Identifiers: Orphanet 217569, MedGen C0007194, MeSH D002312, MONDO:0005045, HP:0001639.

Submission:

All of Us Research Program, National Institutes of Health
Classification: Likely benign for Hypertrophic cardiomyopathy. Last evaluated: 2023-03-23. Review status: criteria provided, single submitter. Criteria: ACMG Guidelines, 2015. Collection method: clinical testing. Allele origin: germline. Inheritance: Autosomal dominant inheritance. Observed: 1 variant allele, 1 heterozygote.
Comment: This study involves interpretation of variants in research participants for the purpose of population health screening. Participant phenotype was not available at the time of variant classification. Additional details can be found in publication PMID: 35346344, PMCID: PMC8962531

NM_005159.5(ACTC1):c.816A>G (p.Glu272=)

Genes: ACTC1 (actin alpha cardiac muscle 1; minus strand), GJD2-DT (GJD2 divergent transcript; plus strand). Cytogenetic location: 15q14.
Variant type: single nucleotide variant.
Coding change: c.816A>G on transcript NM_005159.5 (MANE Select); coding-DNA position 816, A replaced by G.
Protein change: p.Glu272=; no amino-acid change (glutamic acid 272 retained).
Molecular consequence: synonymous variant.
Genome position (GRCh38, 1-based): chr15:34,791,288, T>C on the plus strand (A>G on the coding strand, the complement: ACTC1 is on the minus strand). VCF-style: chr15-34791288-T-C. GRCh37 (hg19) VCF-style: chr15-35083489-T-C.
Other names: c.816A>G, p.Glu272= (NM_001406482.1, NM_001406483.1); c.681A>G, p.Glu227= (NM_001406484.1); c.375A>G, p.Glu125= (NM_001406485.1).
Identifiers: ClinVar variation 3075652 (VCV003075652.1), dbSNP rs1595760308, ClinGen allele CA489419091.